The following is an entry in ClinVar:

NM_000038.6(APC):c.6076T>A (p.Ser2026Thr)

Gene: APC (APC regulator of Wnt signaling pathway; plus strand). Cytogenetic location: 5q22.2.
Variant type: single nucleotide variant.
Coding change: c.6076T>A on transcript NM_000038.6 (MANE Select); coding-DNA position 6076, T replaced by A.
Protein change: p.Ser2026Thr; replaces serine 2026 with threonine.
Molecular consequence: missense variant. On other transcripts: non-coding transcript variant (2).
Genome position (GRCh38, 1-based): chr5:112,841,670, T>A. VCF-style: chr5-112841670-T-A. GRCh37 (hg19) VCF-style: chr5-112177367-T-A.
Other names: c.6076T>A, p.Ser2026Thr (NM_001127510.3, NM_001354895.2, NM_001407450.1); c.6022T>A, p.Ser2008Thr (NM_001127511.3); c.6130T>A, p.Ser2044Thr (NM_001354896.2, NM_001407447.1, NM_001407448.1 and 1 more transcripts); c.6106T>A, p.Ser2036Thr (NM_001354897.2); c.6001T>A, p.Ser2001Thr (NM_001354898.2); c.5992T>A, p.Ser1998Thr (NM_001354899.2); c.5953T>A, p.Ser1985Thr (NM_001354900.2); c.5899T>A, p.Ser1967Thr (NM_001354901.2, NM_001407453.1); and 11 more; short protein forms S1866T, S1998T, S2001T, S2008T, S2054T, S1642T, S1743T, S1935T.
Identifiers: ClinVar variation 3635495 (VCV003635495.2).

ClinVar aggregate classification (germline): Uncertain significance (1 of 4 stars; one submission).

Conditions:
Familial adenomatous polyposis 1 (FAP1). Also called: FAMILIAL ADENOMATOUS POLYPOSIS 1, ATTENUATED; POLYPOSIS, ADENOMATOUS INTESTINAL. Identifiers: MedGen C2713442, MONDO:0021056, OMIM 175100. Disease mechanism: loss of function.

Submission:

Labcorp Genetics (formerly Invitae), Labcorp
Classification: Uncertain significance for Familial adenomatous polyposis 1. Last evaluated: 2024-02-02. Review status: criteria provided, single submitter. Criteria: Invitae Variant Classification Sherloc (09022015). Collection method: clinical testing. Allele origin: germline.
Comment: This sequence change replaces serine, which is neutral and polar, with threonine, which is neutral and polar, at codon 2026 of the APC protein (p.Ser2026Thr). This variant is not present in population databases (gnomAD no frequency). This variant has not been reported in the literature in individuals affected with APC-related conditions. Advanced modeling of protein sequence and biophysical properties (such as structural, functional, and spatial information, amino acid conservation, physicochemical variation, residue mobility, and thermodynamic stability) performed at Invitae indicates that this missense variant is not expected to disrupt APC protein function with a negative predictive value of 95%. In summary, the available evidence is currently insufficient to determine the role of this variant in disease. Therefore, it has been classified as a Variant of Uncertain Significance.